The following is an entry in ClinVar:

ClinVar aggregate classification (germline): Likely pathogenic (1 of 4 stars; one submission).

Submission:

Labcorp Genetics (formerly Invitae), Labcorp
Classification: Likely pathogenic. Last evaluated: 2024-10-05. Review status: criteria provided, single submitter. Criteria: Invitae Variant Classification Sherloc (09022015). Collection method: clinical testing. Allele origin: germline.
Comment: This sequence change affects a donor splice site in intron 4 of the MBD4 gene. It is expected to disrupt RNA splicing. Variants that disrupt the donor or acceptor splice site typically lead to a loss of protein function (PMID: 16199547), and loss-of-function variants in MBD4 are known to be pathogenic (PMID: 30049810, 35460607). This variant is not present in population databases (gnomAD no frequency). This variant has not been reported in the literature in individuals affected with MBD4-related conditions. Algorithms developed to predict the effect of sequence changes on RNA splicing suggest that this variant may disrupt the consensus splice site. In summary, the currently available evidence indicates that the variant is pathogenic, but additional data are needed to prove that conclusively. Therefore, this variant has been classified as Likely Pathogenic.

Literature cited by the submitters: PubMed 16199547; PubMed 30049810; PubMed 35460607.

NM_001276270.2(MBD4):c.1258+2T>C

Gene: MBD4 (methyl-CpG binding domain 4, DNA glycosylase; minus strand). Cytogenetic location: 3q21.3.
Variant type: single nucleotide variant.
Coding change: c.1258+2T>C on transcript NM_001276270.2 (MANE Select); the canonical splice donor site of the intron after coding-DNA position 1258, T replaced by C.
Molecular consequence: splice donor variant.
Genome position (GRCh38, 1-based): chr3:129,434,060, A>G on the plus strand (T>C on the coding strand, the complement: MBD4 is on the minus strand). VCF-style: chr3-129434060-A-G. GRCh37 (hg19) VCF-style: chr3-129152903-A-G.
Other names: c.1276+2T>C (NM_001276271.2, NM_001276272.2, NM_003925.3); c.322+2T>C (NM_001276273.2).
Identifiers: ClinVar variation 3722240 (VCV003722240.2).